The following is an entry in ClinVar:

NM_000440.3(PDE6A):c.1113+1G>A

Gene: PDE6A (phosphodiesterase 6A; minus strand). Cytogenetic location: 5q32.
Variant type: single nucleotide variant.
Coding change: c.1113+1G>A on transcript NM_000440.3 (MANE Select); the canonical splice donor site of the intron after coding-DNA position 1113, G replaced by A.
Molecular consequence: splice donor variant.
Genome position (GRCh38, 1-based): chr5:149,903,647, C>T on the plus strand (G>A on the coding strand, the complement: PDE6A is on the minus strand). VCF-style: chr5-149903647-C-T. GRCh37 (hg19) VCF-style: chr5-149283210-C-T.
Other names: c.870+1G>A (NM_001410788.1).
Identifiers: ClinVar variation 1066992 (VCV001066992.7), dbSNP rs372346866, ClinGen allele CA3504786.

ClinVar aggregate classification (germline): Likely pathogenic (1 of 4 stars; one submission).

Allele frequency attached by ClinVar (database versions not stated): gnomAD 0.00001 and 0.00003; gnomAD exomes 0.00002; TOPMed 0.00002; ExAC 0.00003; ESP Exome Variant Server 0.00008; 1000 Genomes Project 30x 0.00016; 1000 Genomes Project 0.00020.
gnomAD v4.1: 33 of 1,612,062 alleles (0.002%); highest among the groups gnomAD compares: African/African-American, 0.004%; no homozygotes.

Submission:

Labcorp Genetics (formerly Invitae), Labcorp
Classification: Likely pathogenic. Last evaluated: 2020-03-20. Review status: criteria provided, single submitter. Criteria: Invitae Variant Classification Sherloc (09022015). Collection method: clinical testing. Allele origin: germline.
Comment: In summary, the currently available evidence indicates that the variant is pathogenic, but additional data are needed to prove that conclusively. Therefore, this variant has been classified as Likely Pathogenic. Donor and acceptor splice site variants typically lead to a loss of protein function (PMID: 16199547), and loss-of-function variants in PDE6A are known to be pathogenic (PMID: 7493036, 22128245, 23847139). Algorithms developed to predict the effect of sequence changes on RNA splicing suggest that this variant may disrupt the consensus splice site, but this prediction has not been confirmed by published transcriptional studies. This variant has not been reported in the literature in individuals with PDE6A-related conditions. This variant is present in population databases (rs372346866, ExAC 0.01%). This sequence change affects a donor splice site in intron 8 of the PDE6A gene. It is expected to disrupt RNA splicing and likely results in an absent or disrupted protein product.

Literature cited by the submitters: PubMed 16199547; PubMed 7493036; PubMed 22128245; PubMed 23847139.